The following is an entry in ClinVar:

NM_006767.4(LZTR1):c.1354-4G>A

Gene: LZTR1 (leucine zipper like post translational regulator 1; plus strand). Cytogenetic location: 22q11.21.
Variant type: single nucleotide variant.
Coding change: c.1354-4G>A on transcript NM_006767.4 (MANE Select); 4 bases into the intron before coding-DNA position 1354, G replaced by A.
Molecular consequence: intron variant.
Genome position (GRCh38, 1-based): chr22:20,993,920, G>A. VCF-style: chr22-20993920-G-A. GRCh37 (hg19) VCF-style: chr22-21348209-G-A.
Identifiers: ClinVar variation 1415671 (VCV001415671.35), dbSNP rs747750987, ClinGen allele CA10118855.

ClinVar aggregate classification (germline): Likely benign. Review status: criteria provided, multiple submitters, no conflicts (2 of 4 stars). 4 submissions from 4 submitters: Likely benign (4). Last evaluated 2025-12-24.

Conditions:
Hereditary cancer-predisposing syndrome. Also called: Hereditary Cancer Syndrome; Tumor predisposition; Neoplastic Syndromes, Hereditary; Hereditary neoplastic syndrome. Identifiers: Orphanet 140162, MedGen C0027672, MeSH D009386, MONDO:0015356.
Cardiovascular phenotype. Identifiers: MedGen CN230736.

Allele frequency attached by ClinVar (database versions not stated): ExAC 0.00001; gnomAD exomes 0.00002; TOPMed 0.00003; gnomAD 0.00005.
gnomAD v4.1: 28 of 1,611,084 alleles (0.0017%); highest among the groups gnomAD compares: Non-Finnish European, 0.0022%; no homozygotes.

Submissions (4):

Labcorp Genetics (formerly Invitae), Labcorp
Classification: Likely benign. Last evaluated: 2025-12-24. Review status: criteria provided, single submitter. Criteria: Invitae Variant Classification Sherloc (09022015). Collection method: clinical testing. Allele origin: germline.

Women's Health and Genetics/Laboratory Corporation of America, LabCorp
Classification: Likely benign. Last evaluated: 2025-04-23. Review status: criteria provided, single submitter. Criteria: LabCorp Variant Classification Summary - May 2015. Collection method: clinical testing. Allele origin: germline.

Ambry Genetics
Classification: Likely benign for Cardiovascular phenotype; Hereditary cancer-predisposing syndrome. Last evaluated: 2022-12-01. Review status: criteria provided, single submitter. Criteria: Ambry Variant Classification Scheme 2023. Collection method: clinical testing. Allele origin: germline.

CeGaT Center for Human Genetics Tuebingen
Classification: Likely benign. Last evaluated: 2022-07-01. Review status: criteria provided, single submitter. Criteria: CeGaT Center For Human Genetics Tuebingen Variant Classification Criteria Version 2. Collection method: clinical testing. Allele origin: germline. Affected: yes. Observed: 1 variant allele.
Comment: LZTR1: BP4